The following is an entry in ClinVar:

NM_152564.5(VPS13B):c.6470C>G (p.Ser2157Ter)

Gene: VPS13B (vacuolar protein sorting 13 homolog B; plus strand). Cytogenetic location: 8q22.2.
Variant type: single nucleotide variant.
Coding change: c.6470C>G on transcript NM_152564.5 (MANE Select); coding-DNA position 6470, C replaced by G.
Protein change: p.Ser2157Ter; replaces serine 2157 with a stop codon.
Molecular consequence: nonsense.
Genome position (GRCh38, 1-based): chr8:99,717,186, C>G. VCF-style: chr8-99717186-C-G. GRCh37 (hg19) VCF-style: chr8-100729414-C-G.
Other names: c.6545C>G, p.Ser2182Ter (NM_017890.5); short protein forms S2157*, S2182*.
Identifiers: ClinVar variation 2738320 (VCV002738320.3), dbSNP rs1057516494, ClinGen allele CA371867108.

ClinVar aggregate classification (germline): Pathogenic (1 of 4 stars; one submission).

Conditions:
Cohen syndrome (COH1). Also called: Cutis verticis gyrata, retinitis pigmentosa, and sensorineural deafness; PEPPER SYNDROME. Identifiers: Orphanet 193, MedGen C0265223, MONDO:0008999, OMIM 216550.

Submission:

Labcorp Genetics (formerly Invitae), Labcorp
Classification: Pathogenic for Cohen syndrome. Last evaluated: 2023-07-08. Review status: criteria provided, single submitter. Criteria: Invitae Variant Classification Sherloc (09022015). Collection method: clinical testing. Allele origin: germline.
Comment: For these reasons, this variant has been classified as Pathogenic. This variant has not been reported in the literature in individuals affected with VPS13B-related conditions. This variant is not present in population databases (gnomAD no frequency). This sequence change creates a premature translational stop signal (p.Ser2182*) in the VPS13B gene. It is expected to result in an absent or disrupted protein product. Loss-of-function variants in VPS13B are known to be pathogenic (PMID: 15141358, 16648375, 20461111).

Literature cited by the submitters: PubMed 15141358; PubMed 16648375; PubMed 20461111.